The following is an entry in ClinVar:

NM_007194.4(CHEK2):c.1178C>T (p.Pro393Leu)

Gene: CHEK2 (checkpoint kinase 2; minus strand). Cytogenetic location: 22q12.1.
Variant type: single nucleotide variant.
Coding change: c.1178C>T on transcript NM_007194.4 (MANE Select); coding-DNA position 1178, C replaced by T.
Protein change: p.Pro393Leu; replaces proline 393 with leucine.
Molecular consequence: missense variant.
Genome position (GRCh38, 1-based): chr22:28,695,791, G>A on the plus strand (C>T on the coding strand, the complement: CHEK2 is on the minus strand). VCF-style: chr22-28695791-G-A. GRCh37 (hg19) VCF-style: chr22-29091779-G-A.
Other names: p.P393L:CCT>CTT; c.1307C>T, p.Pro436Leu (NM_001005735.3); c.515C>T, p.Pro172Leu (NM_001257387.3); c.977C>T, p.Pro326Leu (NM_001349956.3); c.1091C>T, p.Pro364Leu (NM_145862.3); short protein forms P393L, P326L, P364L, P436L, P172L.
Identifiers: ClinVar variation 182435 (VCV000182435.20), dbSNP rs730881690, ClinGen allele CA299082.

ClinVar aggregate classification (germline): Uncertain significance. Review status: criteria provided, multiple submitters, no conflicts (2 of 4 stars). 6 submissions from 6 submitters: Uncertain significance (6). Last evaluated 2025-09-24.

Conditions:
Familial cancer of breast. Also called: hereditary breast carcinoma; BREAST CANCER, FAMILIAL; Hereditary breast cancer. Identifiers: Orphanet 227535, MedGen C0346153, MONDO:0016419, OMIM 114480. Disease mechanism: loss of function.
Bone osteosarcoma. Also called: Osteosarcoma, somatic. Identifiers: Orphanet 668, MedGen C0585442, MONDO:0002629, OMIM 259500.
CHEK2-related cancer predisposition (TPDS4). Also called: CHEK2-related cancer susceptibility; TUMOR PREDISPOSITION SYNDROME 4; CANCER PREDISPOSITION SYNDROME, CHEK2-RELATED. Identifiers: Orphanet 524, MedGen C5882668, MONDO:0700271, OMIM 609265.
Prostate cancer. Also called: Malignant tumor of prostate. Identifiers: Orphanet 1331, MedGen C0376358, MONDO:0008315, HP:0012125.
Hereditary cancer-predisposing syndrome. Also called: Neoplastic Syndromes, Hereditary; Hereditary neoplastic syndrome; Hereditary Cancer Syndrome; Tumor predisposition. Identifiers: Orphanet 140162, MedGen C0027672, MeSH D009386, MONDO:0015356.

Allele frequency attached by ClinVar (database versions not stated): gnomAD 0.00001.
gnomAD v4.1: 1 of 1,613,796 alleles (0.000062%); highest among the groups gnomAD compares: Admixed American, 0.0017%; no homozygotes.

Submissions (6):

Labcorp Genetics (formerly Invitae), Labcorp
Classification: Uncertain significance for Familial cancer of breast. Last evaluated: 2025-09-24. Review status: criteria provided, single submitter. Criteria: Invitae Variant Classification Sherloc (09022015). Collection method: clinical testing. Allele origin: germline.
Comment: This sequence change replaces proline, which is neutral and non-polar, with leucine, which is neutral and non-polar, at codon 393 of the CHEK2 protein (p.Pro393Leu). This variant is not present in population databases (gnomAD no frequency). This variant has not been reported in the literature in individuals affected with CHEK2-related conditions. ClinVar contains an entry for this variant (Variation ID: 182435). An algorithm developed to predict the effect of missense changes on protein structure and function (PolyPhen-2) suggests that this variant is likely to be disruptive. In summary, the available evidence is currently insufficient to determine the role of this variant in disease. Therefore, it has been classified as a Variant of Uncertain Significance.

Ambry Genetics
Classification: Uncertain significance for Hereditary cancer-predisposing syndrome. Last evaluated: 2025-02-11. Review status: criteria provided, single submitter. Criteria: Ambry Variant Classification Scheme 2023. Collection method: clinical testing. Allele origin: germline.
Comment: The p.P393L variant (also known as c.1178C>T), located in coding exon 10 of the CHEK2 gene, results from a C to T substitution at nucleotide position 1178. The proline at codon 393 is replaced by leucine, an amino acid with similar properties. This amino acid position is highly conserved in available vertebrate species. In addition, this alteration is predicted to be deleterious by in silico analysis. Based on the available evidence, the clinical significance of this variant remains unclear.

Baylor Genetics
Classification: Uncertain significance for Familial cancer of breast. Last evaluated: 2023-09-06. Review status: criteria provided, single submitter. Criteria: ACMG Guidelines, 2015. Collection method: clinical testing. Allele origin: unknown.

GeneDx
Classification: Uncertain significance. Last evaluated: 2021-04-29. Review status: criteria provided, single submitter. Criteria: GeneDx Variant Classification Process June 2021. Collection method: clinical testing. Allele origin: germline. Affected: yes.
Comment: Not observed in large population cohorts (Lek et al., 2016); In silico analysis supports that this missense variant has a deleterious effect on protein structure/function; Has not been previously published as pathogenic or benign to our knowledge

Color Diagnostics, LLC DBA Color Health
Classification: Uncertain significance for Hereditary cancer-predisposing syndrome. Last evaluated: 2019-10-01. Review status: criteria provided, single submitter. Criteria: ACMG Guidelines, 2015. Collection method: clinical testing. Allele origin: germline.
Comment: This missense variant replaces proline with leucine at codon 393 of the CHEK2 protein. Computational prediction suggests that this variant may have deleterious impact on protein structure and function (internally defined REVEL score threshold >= 0.7, PMID: 27666373). Splice site prediction tools suggest that this variant may not impact RNA splicing. To our knowledge, functional studies have not been performed for this variant. This variant has not been reported in individuals affected with hereditary cancer in the literature. This variant has not been identified in the general population by the Genome Aggregation Database (gnomAD). The available evidence is insufficient to determine the role of this variant in disease conclusively. Therefore, this variant is classified as a Variant of Uncertain Significance.

Fulgent Genetics
Classification: Uncertain significance for Familial cancer of breast; Familial prostate cancer; Bone osteosarcoma; CHEK2-related cancer predisposition. Last evaluated: 2018-10-31. Review status: criteria provided, single submitter. Criteria: ACMG Guidelines, 2015. Collection method: clinical testing. Allele origin: unknown.